The following is an entry in ClinVar:

ClinVar aggregate classification (germline): Uncertain significance. Review status: criteria provided, multiple submitters, no conflicts (2 of 4 stars). 2 submissions from 2 submitters: Uncertain significance (2). Last evaluated 2025-08-31.

Conditions:
Inborn genetic diseases. Identifiers: MedGen C0950123, MeSH D030342.
Combined immunodeficiency due to LRBA deficiency. Also called: Common variable immunodeficiency 8, with autoimmunity. Identifiers: Orphanet 445018, MedGen C3553512, MONDO:0013863, OMIM 614700.

Allele frequency attached by ClinVar (database versions not stated): gnomAD exomes below 0.00001; ExAC 0.00001; TOPMed 0.00001; gnomAD 0.00002 and 0.00003.
gnomAD v4.1: 3 of 1,614,040 alleles (0.00019%); highest among the groups gnomAD compares: African/African-American, 0.004%; no homozygotes.

Submissions (2):

Ambry Genetics
Classification: Uncertain significance for Inborn genetic diseases. Last evaluated: 2025-08-31. Review status: criteria provided, single submitter. Criteria: Ambry Variant Classification Scheme 2023. Collection method: clinical testing. Allele origin: germline.

Labcorp Genetics (formerly Invitae), Labcorp
Classification: Uncertain significance for Combined immunodeficiency due to LRBA deficiency. Last evaluated: 2022-11-02. Review status: criteria provided, single submitter. Criteria: Invitae Variant Classification Sherloc (09022015). Collection method: clinical testing. Allele origin: germline.
Comment: Advanced modeling of protein sequence and biophysical properties (such as structural, functional, and spatial information, amino acid conservation, physicochemical variation, residue mobility, and thermodynamic stability) performed at Invitae indicates that this missense variant is not expected to disrupt LRBA protein function. In summary, the available evidence is currently insufficient to determine the role of this variant in disease. Therefore, it has been classified as a Variant of Uncertain Significance. ClinVar contains an entry for this variant (Variation ID: 851322). This sequence change replaces valine, which is neutral and non-polar, with methionine, which is neutral and non-polar, at codon 2768 of the LRBA protein (p.Val2768Met). This variant is present in population databases (rs757644967, gnomAD 0.01%). This variant has not been reported in the literature in individuals affected with LRBA-related conditions.

NM_001364905.1(LRBA):c.8269G>A (p.Val2757Met)

Gene: LRBA (LPS responsive beige-like anchor protein; minus strand). Cytogenetic location: 4q31.3.
Variant type: single nucleotide variant.
Coding change: c.8269G>A on transcript NM_001364905.1 (MANE Select); coding-DNA position 8269, G replaced by A.
Protein change: p.Val2757Met; replaces valine 2757 with methionine.
Molecular consequence: missense variant.
Genome position (GRCh38, 1-based): chr4:150,282,497, C>T on the plus strand (G>A on the coding strand, the complement: LRBA is on the minus strand). VCF-style: chr4-150282497-C-T. GRCh37 (hg19) VCF-style: chr4-151203649-C-T.
Other names: c.8266G>A, p.Val2756Met (NM_001199282.3); c.8284G>A, p.Val2762Met (NM_001367550.1); c.8302G>A, p.Val2768Met (NM_006726.5); short protein forms V2762M, V2757M, V2768M, V2756M.
Identifiers: ClinVar variation 851322 (VCV000851322.9), dbSNP rs757644967, ClinGen allele CA3101404.